The following is an entry in ClinVar:

ClinVar aggregate classification (germline): Uncertain significance. Review status: criteria provided, multiple submitters, no conflicts (2 of 4 stars). 2 submissions from 2 submitters: Uncertain significance (2). Last evaluated 2022-08-10.

Conditions:
Inborn genetic diseases. Identifiers: MedGen C0950123, MeSH D030342.
Congenital myasthenic syndrome 10. Also called: Myasthenia, limb-girdle, familial. Identifiers: Orphanet 590, MedGen C1850792, MONDO:0009690, OMIM 254300.
Fetal akinesia deformation sequence 1 (FADS1). Also called: Fetal akinesia sequence; Pena-Shokeir syndrome type I. Identifiers: Orphanet 994, MedGen C1276035, MONDO:0100101, OMIM 208150, HP:0001989.

Allele frequency attached by ClinVar (database versions not stated): gnomAD exomes 0.00004 and 0.00002; ExAC 0.00003.
gnomAD v4.1: 36 of 1,612,790 alleles (0.0022%); highest among the groups gnomAD compares: Middle Eastern, 0.033%; no homozygotes.

Submissions (2):

Labcorp Genetics (formerly Invitae), Labcorp
Classification: Uncertain significance for Congenital myasthenic syndrome 10; Fetal akinesia deformation sequence 1. Last evaluated: 2022-08-10. Review status: criteria provided, single submitter. Criteria: Invitae Variant Classification Sherloc (09022015). Collection method: clinical testing. Allele origin: germline.
Comment: This sequence change replaces serine, which is neutral and polar, with leucine, which is neutral and non-polar, at codon 266 of the DOK7 protein (p.Ser266Leu). This variant is present in population databases (rs763936252, gnomAD 0.03%). This variant has not been reported in the literature in individuals affected with DOK7-related conditions. ClinVar contains an entry for this variant (Variation ID: 957301). Algorithms developed to predict the effect of missense changes on protein structure and function are either unavailable or do not agree on the potential impact of this missense change (SIFT: "Deleterious"; PolyPhen-2: "Benign"; Align-GVGD: "Class C0"). In summary, the available evidence is currently insufficient to determine the role of this variant in disease. Therefore, it has been classified as a Variant of Uncertain Significance.

Ambry Genetics
Classification: Uncertain significance for Inborn genetic diseases. Last evaluated: 2021-08-12. Review status: criteria provided, single submitter. Criteria: Ambry Variant Classification Scheme 2023. Collection method: clinical testing. Allele origin: germline.

NM_173660.5(DOK7):c.797C>T (p.Ser266Leu)

Gene: DOK7 (docking protein 7; plus strand). Cytogenetic location: 4p16.3.
Variant type: single nucleotide variant.
Coding change: c.797C>T on transcript NM_173660.5 (MANE Select); coding-DNA position 797, C replaced by T.
Protein change: p.Ser266Leu; replaces serine 266 with leucine.
Molecular consequence: missense variant. On other transcripts: 3 prime UTR variant (1), 5 prime UTR variant (1).
Genome position (GRCh38, 1-based): chr4:3,492,783, C>T. VCF-style: chr4-3492783-C-T. GRCh37 (hg19) VCF-style: chr4-3494510-C-T.
Other names: c.*18C>T (NM_001164673.2); c.-134C>T (NM_001256896.2); c.797C>T, p.Ser266Leu (NM_001301071.2); c.365C>T, p.Ser122Leu (NM_001363811.2); short protein forms S122L, S266L.
Identifiers: ClinVar variation 957301 (VCV000957301.6), dbSNP rs763936252, ClinGen allele CA2829228.